The following is an entry in ClinVar:

NM_001844.5(COL2A1):c.4414G>C (p.Gly1472Arg)

Gene: COL2A1 (collagen type II alpha 1 chain; minus strand). Cytogenetic location: 12q13.11.
Variant type: single nucleotide variant.
Coding change: c.4414G>C on transcript NM_001844.5 (MANE Select); coding-DNA position 4414, G replaced by C.
Protein change: p.Gly1472Arg; replaces glycine 1472 with arginine.
Molecular consequence: missense variant.
Genome position (GRCh38, 1-based): chr12:47,973,457, C>G on the plus strand (G>C on the coding strand, the complement: COL2A1 is on the minus strand). VCF-style: chr12-47973457-C-G. GRCh37 (hg19) VCF-style: chr12-48367240-C-G.
Other names: c.4207G>C, p.Gly1403Arg (NM_033150.3); short protein forms G1472R, G1403R.
Identifiers: ClinVar variation 197963 (VCV000197963.12), dbSNP rs763352763, ClinGen allele CA246379.

ClinVar aggregate classification (germline): Conflicting classifications of pathogenicity. Review status: criteria provided, conflicting classifications (1 of 4 stars). 3 submissions from 3 submitters: Uncertain significance (2); Likely benign (1). Last evaluated 2025-07-14.

Submissions (3):

GeneDx
Classification: Uncertain significance. Last evaluated: 2025-07-14. Review status: criteria provided, single submitter. Criteria: GeneDx Variant Classification Process June 2021. Collection method: clinical testing. Allele origin: germline. Affected: yes.
Comment: Has not been previously published as pathogenic or benign to our knowledge; In silico analysis supports that this missense variant has a deleterious effect on protein structure/function; Not located in the triple helical region, where the majority of pathogenic missense variants occur (HGMD)

Labcorp Genetics (formerly Invitae), Labcorp
Classification: Likely benign. Last evaluated: 2023-05-22. Review status: criteria provided, single submitter. Criteria: Invitae Variant Classification Sherloc (09022015). Collection method: clinical testing. Allele origin: germline.

Eurofins Ntd Llc (ga)
Classification: Uncertain significance. Last evaluated: 2015-05-14. Review status: criteria provided, single submitter. Criteria: EGL Classification Definitions 2015. Collection method: clinical testing. Allele origin: germline. Observed: 2 variant alleles, 2 heterozygotes.